The following continues an entry in ClinVar:

NM_000518.5(HBB):c.93-21G>A

ClinVar aggregate classification (germline): Pathogenic. Pathogenic (1).

Literature cited by the submitters, continued: PubMed 20301599 (cited by Victorian Clinical Genetics Services, Murdoch Childrens Research Institute); PubMed 33851260 (cited by Victorian Clinical Genetics Services, Murdoch Childrens Research Institute); PubMed 31899996 (cited by Victorian Clinical Genetics Services, Murdoch Childrens Research Institute); PubMed 31788855 (cited by Victorian Clinical Genetics Services, Murdoch Childrens Research Institute); PubMed 29700171 (cited by Victorian Clinical Genetics Services, Murdoch Childrens Research Institute); PubMed 28667000 (cited by Victorian Clinical Genetics Services, Murdoch Childrens Research Institute and AiLife Diagnostics); PubMed 23321370 (cited by Natera, Inc.); PubMed 8619407 (cited by Women's Health and Genetics/Laboratory Corporation of America, LabCorp); PubMed 1390250 (cited by 4 submitters); PubMed 1769663 (cited by Women's Health and Genetics/Laboratory Corporation of America, LabCorp); PubMed 6264391 (cited by 7 submitters); PubMed 6264477 (cited by 6 submitters); PubMed 17331080 (cited by Women's Health and Genetics/Laboratory Corporation of America, LabCorp); PubMed 11857746 (cited by Women's Health and Genetics/Laboratory Corporation of America, LabCorp); PubMed 12324499 (cited by Women's Health and Genetics/Laboratory Corporation of America, LabCorp); PubMed 16291734 (cited by Women's Health and Genetics/Laboratory Corporation of America, LabCorp); PubMed 6895866 (cited by Genetics Laboratory, Al-Manara University for Medical Sciences and Quest Diagnostics Nichols Institute San Juan Capistrano); PubMed 31130284 (cited by 3 submitters); PubMed 17486495 (cited by Genetics Laboratory, Al-Manara University for Medical Sciences); PubMed 18976160 (cited by Genetics Laboratory, Al-Manara University for Medical Sciences); PubMed 12827652 (cited by Genetics Laboratory, Al-Manara University for Medical Sciences); PubMed 35615994 (cited by Genetics Laboratory, Al-Manara University for Medical Sciences); PubMed 31456457 (cited by Genetics Laboratory, Al-Manara University for Medical Sciences and AiLife Diagnostics); PubMed 28670940 (cited by Genetics Laboratory, Al-Manara University for Medical Sciences and AiLife Diagnostics); PubMed 15008262 (cited by Genetics Laboratory, Al-Manara University for Medical Sciences); PubMed 2612904 (cited by Quest Diagnostics Nichols Institute San Juan Capistrano); PubMed 37895316 (cited by Quest Diagnostics Nichols Institute San Juan Capistrano); PubMed 37034522 (cited by Quest Diagnostics Nichols Institute San Juan Capistrano); PubMed 7320200 (cited by Quest Diagnostics Nichols Institute San Juan Capistrano); PubMed 6956887 (cited by Quest Diagnostics Nichols Institute San Juan Capistrano); PubMed 6292841 (cited by Quest Diagnostics Nichols Institute San Juan Capistrano); PubMed 8378346 (cited by Quest Diagnostics Nichols Institute San Juan Capistrano); PubMed 26593421 (cited by Quest Diagnostics Nichols Institute San Juan Capistrano); PubMed 35064169 (cited by Quest Diagnostics Nichols Institute San Juan Capistrano); PubMed 35330400 (cited by Quest Diagnostics Nichols Institute San Juan Capistrano); PubMed 36898140 (cited by Quest Diagnostics Nichols Institute San Juan Capistrano); PubMed 28868125 (cited by Quest Diagnostics Nichols Institute San Juan Capistrano); PubMed 18391696 (cited by Quest Diagnostics Nichols Institute San Juan Capistrano); PubMed 32982166 (cited by Quest Diagnostics Nichols Institute San Juan Capistrano); PubMed 30430274 (cited by Quest Diagnostics Nichols Institute San Juan Capistrano); PubMed 30704988 (cited by Quest Diagnostics Nichols Institute San Juan Capistrano); PubMed 21228398 (cited by AiLife Diagnostics); PubMed 27979672 (cited by AiLife Diagnostics); PubMed 12702481 (cited by AiLife Diagnostics); PubMed 22975760 (cited by AiLife Diagnostics); PubMed 14555304 (cited by AiLife Diagnostics); PubMed 25087612 (cited by AiLife Diagnostics and Ambry Genetics); PubMed 20395516 (cited by AiLife Diagnostics); PubMed 25480500 (cited by AiLife Diagnostics); PubMed 8330981 (cited by Myriad Genetics, Inc.); PubMed 10815781 (cited by Ambry Genetics); PubMed 16421096 (cited by Ambry Genetics); PubMed 24106605 (cited by Ambry Genetics); PubMed 7312624 (cited by OMIM); NCBI Bookshelf NBK1426 (cited by GeneReviews).